The following is an entry in ClinVar:

NM_000231.3(SGCG):c.563C>T (p.Pro188Leu)

Gene: SGCG (sarcoglycan gamma; plus strand). Cytogenetic location: 13q12.12.
Variant type: single nucleotide variant.
Coding change: c.563C>T on transcript NM_000231.3 (MANE Select); coding-DNA position 563, C replaced by T.
Protein change: p.Pro188Leu; replaces proline 188 with leucine.
Molecular consequence: missense variant.
Genome position (GRCh38, 1-based): chr13:23,295,472, C>T. VCF-style: chr13-23295472-C-T. GRCh37 (hg19) VCF-style: chr13-23869611-C-T.
Other names: c.617C>T, p.Pro206Leu (NM_001378244.1); c.563C>T, p.Pro188Leu (NM_001378245.1, NM_001378246.1); c.563C>T (NM_000231.2); short protein forms P206L, P188L.
Identifiers: ClinVar variation 1444340 (VCV001444340.11), dbSNP rs753806016, ClinGen allele CA6909736.

ClinVar aggregate classification (germline): Uncertain significance. Review status: criteria provided, multiple submitters, no conflicts (2 of 4 stars). 3 submissions from 3 submitters: Uncertain significance (3). Last evaluated 2025-08-29.

Conditions:
Autosomal recessive limb-girdle muscular dystrophy type 2C (LGMDR5). Also called: MUSCULAR DYSTROPHY, DUCHENNE-LIKE; MUSCULAR DYSTROPHY, LIMB-GIRDLE, AUTOSOMAL RECESSIVE 5. Identifiers: Orphanet 353, MedGen C0410173, MONDO:0009677, OMIM 253700. Disease mechanism: Affects gamma-sarcoglycan and also disrupts the integrity of the entire sarcoglycan complex..
Inborn genetic diseases. Identifiers: MedGen C0950123, MeSH D030342.

gnomAD v4.1: 54 of 1,613,214 alleles (0.0033%); highest among the groups gnomAD compares: South Asian, 0.011%; no homozygotes.

Submissions (3):

Ambry Genetics
Classification: Uncertain significance for Inborn genetic diseases. Last evaluated: 2025-08-29. Review status: criteria provided, single submitter. Criteria: Ambry Variant Classification Scheme 2023. Collection method: clinical testing. Allele origin: germline.

Labcorp Genetics (formerly Invitae), Labcorp
Classification: Uncertain significance for Autosomal recessive limb-girdle muscular dystrophy type 2C. Last evaluated: 2021-08-24. Review status: criteria provided, single submitter. Criteria: Invitae Variant Classification Sherloc (09022015). Collection method: clinical testing. Allele origin: germline.
Comment: This sequence change replaces proline with leucine at codon 188 of the SGCG protein (p.Pro188Leu). The proline residue is weakly conserved and there is a moderate physicochemical difference between proline and leucine. This variant is present in population databases (rs753806016, ExAC 0.02%). This variant has not been reported in the literature in individuals affected with SGCG-related conditions. Algorithms developed to predict the effect of missense changes on protein structure and function (SIFT, PolyPhen-2, Align-GVGD) all suggest that this variant is likely to be tolerated. In summary, the available evidence is currently insufficient to determine the role of this variant in disease. Therefore, it has been classified as a Variant of Uncertain Significance.

Revvity Omics, Revvity
Classification: Uncertain significance for Autosomal recessive limb-girdle muscular dystrophy type 2C. Last evaluated: 2019-07-09. Review status: criteria provided, single submitter. Criteria: ACMG Guidelines, 2015. Collection method: clinical testing. Allele origin: germline.